The following is an entry in ClinVar:

ClinVar aggregate classification (germline): Likely benign (1 of 4 stars; one submission).

Conditions:
RERE-related disorder. Also called: RERE-Related Disorders; RERE-related condition. Identifiers: MedGen CN381537.

gnomAD v4.1: 1 of 1,438,700 alleles (0.00007%); highest among the groups gnomAD compares: Non-Finnish European, 0.000091%; no homozygotes.

Submission:

PreventionGenetics, part of Exact Sciences
Classification: Likely benign for RERE-related condition. Last evaluated: 2024-10-16. Review status: criteria provided, single submitter. Criteria: ACMG Guidelines, 2015. Collection method: clinical testing. Allele origin: germline.
Comment: This variant is classified as likely benign based on ACMG/AMP sequence variant interpretation guidelines (Richards et al. 2015 PMID: 25741868, with internal and published modifications).

NM_001042681.2(RERE):c.2517C>G (p.Pro839=)

Gene: RERE (arginine-glutamic acid dipeptide repeats; minus strand). Cytogenetic location: 1p36.23.
Variant type: single nucleotide variant.
Coding change: c.2517C>G on transcript NM_001042681.2 (MANE Select); coding-DNA position 2517, C replaced by G.
Protein change: p.Pro839=; no amino-acid change (proline 839 retained).
Molecular consequence: synonymous variant.
Genome position (GRCh38, 1-based): chr1:8,360,990, G>C on the plus strand (C>G on the coding strand, the complement: RERE is on the minus strand). VCF-style: chr1-8360990-G-C. GRCh37 (hg19) VCF-style: chr1-8421050-G-C.
Other names: c.855C>G, p.Pro285= (NM_001042682.2); c.2517C>G, p.Pro839= (NM_012102.4).
Identifiers: ClinVar variation 4988647 (VCV004988647.1).